The following is an entry in ClinVar:

ClinVar aggregate classification (germline): Likely pathogenic (1 of 4 stars; one submission).

Conditions:
Nemaline myopathy 2 (NEM2). Also called: Nemaline myopathy 2, autosomal recessive. Identifiers: MedGen C1850569, MONDO:0009725, OMIM 256030.

Submission:

Labcorp Genetics (formerly Invitae), Labcorp
Classification: Likely pathogenic for Nemaline myopathy 2. Last evaluated: 2025-06-24. Review status: criteria provided, single submitter. Criteria: Invitae Variant Classification Sherloc (09022015). Collection method: clinical testing. Allele origin: germline.
Comment: This sequence change affects an acceptor splice site in intron 174 of the NEB gene. It is expected to disrupt RNA splicing. Variants that disrupt the donor or acceptor splice site typically lead to a loss of protein function (PMID: 16199547), and loss-of-function variants in NEB are known to be pathogenic (PMID: 25205138). This variant is not present in population databases (gnomAD no frequency). This variant has not been reported in the literature in individuals affected with NEB-related conditions. ClinVar contains an entry for this variant (Variation ID: 2134591). Algorithms developed to predict the effect of sequence changes on RNA splicing suggest that this variant may disrupt the consensus splice site. In summary, the currently available evidence indicates that the variant is pathogenic, but additional data are needed to prove that conclusively. Therefore, this variant has been classified as Likely Pathogenic.

Literature cited by the submitters: PubMed 16199547; PubMed 25205138.

NM_001164508.2(NEB):c.24487-2A>G

Genes: NEB (nebulin; minus strand), RIF1 (replication timing regulatory factor 1; plus strand). Cytogenetic location: 2q23.3.
Variant type: single nucleotide variant.
Coding change: c.24487-2A>G on transcript NM_001164508.2 (MANE Select); the canonical splice acceptor site of the intron before coding-DNA position 24487, A replaced by G.
Molecular consequence: splice acceptor variant.
Genome position (GRCh38, 1-based): chr2:151,494,255, T>C on the plus strand (A>G on the coding strand, the complement: NEB is on the minus strand). VCF-style: chr2-151494255-T-C. GRCh37 (hg19) VCF-style: chr2-152350769-T-C.
Other names: c.18919-2A>G (NM_004543.5); c.24487-2A>G (NM_001164507.2); c.24592-2A>G (NM_001271208.2).
Identifiers: ClinVar variation 2134591 (VCV002134591.4), dbSNP rs111288905, ClinGen allele CA348777136.